The following is an entry in ClinVar:

ClinVar aggregate classification (germline): Uncertain significance (1 of 4 stars; one submission).

Submission:

Ambry Genetics
Classification: Uncertain significance. Last evaluated: 2021-12-30. Review status: criteria provided, single submitter. Criteria: Ambry Variant Classification Scheme 2023. Collection method: clinical testing. Allele origin: germline.
Comment: The p.Q3154P variant (also known as c.9461A>C), located in coding exon 68 of the PRKDC gene, results from an A to C substitution at nucleotide position 9461. The glutamine at codon 3154 is replaced by proline, an amino acid with similar properties. This amino acid position is conserved. In addition, this alteration is predicted to be tolerated by in silico analysis. Since supporting evidence is limited at this time, the clinical significance of this alteration remains unclear.

NM_006904.7(PRKDC):c.9461A>C (p.Gln3154Pro)

Gene: PRKDC (protein kinase, DNA-activated, catalytic subunit; minus strand). Cytogenetic location: 8q11.21.
Variant type: single nucleotide variant.
Coding change: c.9461A>C on transcript NM_006904.7 (MANE Select); coding-DNA position 9461, A replaced by C.
Protein change: p.Gln3154Pro; replaces glutamine 3154 with proline.
Molecular consequence: missense variant.
Genome position (GRCh38, 1-based): chr8:47,817,546, T>G on the plus strand (A>C on the coding strand, the complement: PRKDC is on the minus strand). VCF-style: chr8-47817546-T-G. GRCh37 (hg19) VCF-style: chr8-48730107-T-G.
Other names: c.9461A>C, p.Gln3154Pro (NM_001081640.2); short protein forms Q3154P.
Identifiers: ClinVar variation 1767044 (VCV001767044.2), dbSNP rs2551864905, ClinGen allele CA371137289.